The following is an entry in ClinVar:

ClinVar aggregate classification (germline): Pathogenic (1 of 4 stars; one submission).

Conditions:
Hereditary cancer-predisposing syndrome. Also called: Hereditary neoplastic syndrome; Neoplastic Syndromes, Hereditary; Tumor predisposition; Hereditary Cancer Syndrome. Identifiers: Orphanet 140162, MedGen C0027672, MeSH D009386, MONDO:0015356.

Submission:

Ambry Genetics
Classification: Pathogenic for Hereditary cancer-predisposing syndrome. Last evaluated: 2022-10-06. Review status: criteria provided, single submitter. Criteria: Ambry Variant Classification Scheme 2023. Collection method: clinical testing. Allele origin: germline.
Comment: The p.C2337* pathogenic mutation (also known as c.7011T>A), located in coding exon 47 of the ATM gene, results from a T to A substitution at nucleotide position 7011. This changes the amino acid from a cysteine to a stop codon within coding exon 47. This variant is considered to be rare based on population cohorts in the Genome Aggregation Database (gnomAD). This alteration is expected to result in loss of function by premature protein truncation or nonsense-mediated mRNA decay. As such, this alteration is interpreted as a disease-causing mutation.

NM_000051.4(ATM):c.7011T>A (p.Cys2337Ter)

Genes: ATM (ATM serine/threonine kinase; plus strand), C11orf65 (chromosome 11 open reading frame 65; minus strand). Cytogenetic location: 11q22.3.
Variant type: single nucleotide variant.
Coding change: c.7011T>A on transcript NM_000051.4 (MANE Select); coding-DNA position 7011, T replaced by A.
Protein change: p.Cys2337Ter; replaces cysteine 2337 with a stop codon.
Molecular consequence: nonsense. On other transcripts: intron variant (2).
Genome position (GRCh38, 1-based): chr11:108,327,680, T>A. VCF-style: chr11-108327680-T-A. GRCh37 (hg19) VCF-style: chr11-108198407-T-A.
Other names: c.7011T>A, p.Cys2337Ter (NM_001351834.2); c.641-18609A>T (NM_001330368.2); c.*38+7540A>T (NM_001351110.2); short protein forms C2337*.
Identifiers: ClinVar variation 1756690 (VCV001756690.2), dbSNP rs878853536, ClinGen allele CA382558715.